The following is an entry in ClinVar:

ClinVar aggregate classification (germline): Pathogenic. Review status: criteria provided, single submitter (1 of 4 stars). 2 submissions from 2 submitters: Pathogenic (1). 1 of the submissions does not count toward it. Last evaluated 2022-07-12.

Conditions:
TNF receptor-associated periodic fever syndrome (TRAPS) (FPF). Also called: Autosomal Dominant Familial Periodic Fever; TNF RECEPTOR-ASSOCIATED PERIODIC SYNDROME; TUMOR NECROSIS FACTOR RECEPTOR-ASSOCIATED PERIODIC SYNDROME; TNF Receptor-Associated Periodic Fever Syndrome; FAMILIAL HIBERNIAN FEVER; TNF receptor 1-associated periodic fever syndrome. Identifiers: Orphanet 32960, MedGen C1275126, MONDO:0007727, OMIM 142680.

Submissions (2):

Labcorp Genetics (formerly Invitae), Labcorp
Classification: Pathogenic for TNF receptor-associated periodic fever syndrome (TRAPS). Last evaluated: 2022-07-12. Review status: criteria provided, single submitter. Criteria: Invitae Variant Classification Sherloc (09022015). Collection method: clinical testing. Allele origin: germline.
Comment: This sequence change replaces cysteine, which is neutral and slightly polar, with tryptophan, which is neutral and slightly polar, at codon 102 of the TNFRSF1A protein (p.Cys102Trp). This variant is not present in population databases (gnomAD no frequency). This missense change has been observed in individual(s) with tumor necrosis factor receptor-associated periodic syndrome (TRAPS) (PMID: 31562507). It has also been observed to segregate with disease in related individuals. This variant is also known as C73W. ClinVar contains an entry for this variant (Variation ID: 97690). Advanced modeling of protein sequence and biophysical properties (such as structural, functional, and spatial information, amino acid conservation, physicochemical variation, residue mobility, and thermodynamic stability) performed at Invitae indicates that this missense variant is expected to disrupt TNFRSF1A protein function. This variant disrupts the p.Cys102 amino acid residue in TNFRSF1A. Other variant(s) that disrupt this residue have been determined to be pathogenic (PMID: 15228183, 22343913, 24251727; Invitae). This suggests that this residue is clinically significant, and that variants that disrupt this residue are likely to be disease-causing. For these reasons, this variant has been classified as Pathogenic.

Unité médicale des maladies autoinflammatoires, CHRU Montpellier
No classification provided. Condition: TNF receptor-associated periodic fever syndrome (TRAPS). Review status: no classification provided. Collection method: not provided. Allele origin: unknown. Not counted in ClinVar's aggregate classification.

Literature cited by the submitters: PubMed 31562507 (cited by Labcorp Genetics (formerly Invitae), Labcorp); PubMed 15228183 (cited by Labcorp Genetics (formerly Invitae), Labcorp); PubMed 22343913 (cited by Labcorp Genetics (formerly Invitae), Labcorp); PubMed 24251727 (cited by Labcorp Genetics (formerly Invitae), Labcorp).

NM_001065.4(TNFRSF1A):c.306C>G (p.Cys102Trp)

Gene: TNFRSF1A (TNF receptor superfamily member 1A; minus strand). Cytogenetic location: 12p13.31.
Variant type: single nucleotide variant.
Coding change: c.306C>G on transcript NM_001065.4 (MANE Select); coding-DNA position 306, C replaced by G.
Protein change: p.Cys102Trp; replaces cysteine 102 with tryptophan.
Molecular consequence: missense variant. On other transcripts: 5 prime UTR variant (2), non-coding transcript variant (1).
Genome position (GRCh38, 1-based): chr12:6,333,753, G>C on the plus strand (C>G on the coding strand, the complement: TNFRSF1A is on the minus strand). VCF-style: chr12-6333753-G-C. GRCh37 (hg19) VCF-style: chr12-6442919-G-C.
Other names: c.-19C>G (NM_001346091.2); c.-272C>G (NM_001346092.2); short protein forms C102W.
Identifiers: ClinVar variation 97690 (VCV000097690.8), dbSNP rs104895249, ClinGen allele CA280827.